The following is an entry in ClinVar:

ClinVar aggregate classification (germline): Uncertain significance. Review status: criteria provided, multiple submitters, no conflicts (2 of 4 stars). 2 submissions from 2 submitters: Uncertain significance (2). Last evaluated 2026-08-01.

Conditions:
Hyperkalemic periodic paralysis. Also called: Familial hyperkalemic periodic paralysis; Gamstorp disease. Identifiers: Orphanet 682, MedGen C0238357, MONDO:0008224, OMIM 170500, HP:0007215.

Allele frequency attached by ClinVar (database versions not stated): gnomAD exomes below 0.00001.
gnomAD v4.1: 2 of 1,584,086 alleles (0.00013%); highest among the groups gnomAD compares: Non-Finnish European, 0.00017%; no homozygotes.

Submissions (2):

CeGaT Center for Human Genetics Tuebingen
Classification: Uncertain significance. Last evaluated: 2026-08-01. Review status: criteria provided, single submitter. Criteria: CeGaT Center For Human Genetics Tuebingen Variant Classification Criteria Version 2. Collection method: clinical testing. Allele origin: germline. Affected: yes. Observed: 1 variant allele.

Labcorp Genetics (formerly Invitae), Labcorp
Classification: Uncertain significance for Hyperkalemic periodic paralysis. Last evaluated: 2022-08-12. Review status: criteria provided, single submitter. Criteria: Invitae Variant Classification Sherloc (09022015). Collection method: clinical testing. Allele origin: germline.
Comment: In summary, the available evidence is currently insufficient to determine the role of this variant in disease. Therefore, it has been classified as a Variant of Uncertain Significance. Algorithms developed to predict the effect of missense changes on protein structure and function (SIFT, PolyPhen-2, Align-GVGD) all suggest that this variant is likely to be disruptive. This variant has not been reported in the literature in individuals affected with SCN4A-related conditions. This variant is present in population databases (no rsID available, gnomAD 0.001%). This sequence change replaces isoleucine, which is neutral and non-polar, with threonine, which is neutral and polar, at codon 824 of the SCN4A protein (p.Ile824Thr).

NM_000334.4(SCN4A):c.2471T>C (p.Ile824Thr)

Genes: SCN4A (sodium voltage-gated channel alpha subunit 4; minus strand), GH-LCR (growth hormone locus control region; plus strand). Cytogenetic location: 17q23.3.
Variant type: single nucleotide variant.
Coding change: c.2471T>C on transcript NM_000334.4 (MANE Select); coding-DNA position 2471, T replaced by C.
Protein change: p.Ile824Thr; replaces isoleucine 824 with threonine.
Molecular consequence: missense variant.
Genome position (GRCh38, 1-based): chr17:63,951,806, A>G on the plus strand (T>C on the coding strand, the complement: SCN4A is on the minus strand). VCF-style: chr17-63951806-A-G. GRCh37 (hg19) VCF-style: chr17-62029166-A-G.
Other names: short protein forms I824T.
Identifiers: ClinVar variation 1951633 (VCV001951633.6), dbSNP rs1375823252, ClinGen allele CA400627043.